The following is an entry in ClinVar:

NM_001563.4(IMPG1):c.1672T>C (p.Tyr558His)

Gene: IMPG1 (interphotoreceptor matrix proteoglycan 1; minus strand). Cytogenetic location: 6q14.1.
Variant type: single nucleotide variant.
Coding change: c.1672T>C on transcript NM_001563.4 (MANE Select); coding-DNA position 1672, T replaced by C.
Protein change: p.Tyr558His; replaces tyrosine 558 with histidine.
Molecular consequence: missense variant.
Genome position (GRCh38, 1-based): chr6:75,950,714, A>G on the plus strand (T>C on the coding strand, the complement: IMPG1 is on the minus strand). VCF-style: chr6-75950714-A-G. GRCh37 (hg19) VCF-style: chr6-76660431-A-G.
Other names: c.1438T>C, p.Tyr480His (NM_001282368.2); short protein forms Y558H, Y480H.
Identifiers: ClinVar variation 4980823 (VCV004980823.1).

ClinVar aggregate classification (germline): Uncertain significance (1 of 4 stars; one submission).

Conditions:
IMPG1-related disorder. Also called: IMPG1-related condition.

gnomAD v4.1: 5 of 1,614,006 alleles (0.00031%); highest among the groups gnomAD compares: East Asian, 0.0067%; no homozygotes.

Submission:

PreventionGenetics, part of Exact Sciences
Classification: Uncertain significance for IMPG1-related condition. Last evaluated: 2025-03-05. Review status: criteria provided, single submitter. Criteria: ACMG Guidelines, 2015. Collection method: clinical testing. Allele origin: germline.
Comment: The IMPG1 c.1672T>C variant is predicted to result in the amino acid substitution p.Tyr558His. To our knowledge, this variant has not been reported in the literature. This variant is reported in 0.011% of alleles in individuals of East Asian descent in gnomAD. At this time, the clinical significance of this variant is uncertain due to the absence of conclusive functional and genetic evidence.